The following is an entry in ClinVar:

ClinVar aggregate classification (germline): Conflicting classifications of pathogenicity. Review status: criteria provided, conflicting classifications (1 of 4 stars). 2 submissions from 2 submitters: Uncertain significance (1); Likely benign (1). Last evaluated 2024-01-03.

Allele frequency attached by ClinVar (database versions not stated): gnomAD exomes below 0.00001.
gnomAD v4.1: 2 of 1,611,654 alleles (0.00012%); highest among the groups gnomAD compares: Non-Finnish European, 0.00017%; no homozygotes.

Submissions (2):

Ambry Genetics
Classification: Likely benign. Last evaluated: 2024-01-03. Review status: criteria provided, single submitter. Criteria: Ambry Variant Classification Scheme 2023. Collection method: clinical testing. Allele origin: germline.

Labcorp Genetics (formerly Invitae), Labcorp
Classification: Uncertain significance. Last evaluated: 2023-08-24. Review status: criteria provided, single submitter. Criteria: Invitae Variant Classification Sherloc (09022015). Collection method: clinical testing. Allele origin: germline.
Comment: In summary, the available evidence is currently insufficient to determine the role of this variant in disease. Therefore, it has been classified as a Variant of Uncertain Significance. Algorithms developed to predict the effect of missense changes on protein structure and function output the following: SIFT: "Not Available"; PolyPhen-2: "Benign"; Align-GVGD: "Not Available". The aspartic acid amino acid residue is found in multiple mammalian species, which suggests that this missense change does not adversely affect protein function. This variant has not been reported in the literature in individuals affected with NIN-related conditions. This variant is not present in population databases (gnomAD no frequency). This sequence change replaces glutamic acid, which is acidic and polar, with aspartic acid, which is acidic and polar, at codon 1353 of the NIN protein (p.Glu1353Asp).

NM_020921.4(NIN):c.4059G>C (p.Glu1353Asp)

Gene: NIN (ninein; minus strand). Cytogenetic location: 14q22.1.
Variant type: single nucleotide variant.
Coding change: c.4059G>C on transcript NM_020921.4 (MANE Select); coding-DNA position 4059, G replaced by C.
Protein change: p.Glu1353Asp; replaces glutamic acid 1353 with aspartic acid.
Molecular consequence: missense variant. On other transcripts: intron variant (1).
Genome position (GRCh38, 1-based): chr14:50,756,971, C>G on the plus strand (G>C on the coding strand, the complement: NIN is on the minus strand). VCF-style: chr14-50756971-C-G. GRCh37 (hg19) VCF-style: chr14-51223689-C-G.
Other names: c.4059G>C (NM_020921.3); c.4059G>C, p.Glu1353Asp (NM_182944.3, NM_182946.2); c.2400-2104G>C (NM_016350.5); short protein forms E1353D.
Identifiers: ClinVar variation 2812428 (VCV002812428.4), dbSNP rs2505808015, ClinGen allele CA389694312.